The following is an entry in ClinVar:

NM_001370259.2(MEN1):c.446-3C>A

Gene: MEN1 (menin 1; minus strand). Cytogenetic location: 11q13.1.
Variant type: single nucleotide variant.
Coding change: c.446-3C>A on transcript NM_001370259.2 (MANE Select); 3 bases into the intron before coding-DNA position 446, C replaced by A.
Molecular consequence: intron variant.
Genome position (GRCh38, 1-based): chr11:64,808,102, G>T on the plus strand (C>A on the coding strand, the complement: MEN1 is on the minus strand). VCF-style: chr11-64808102-G-T. GRCh37 (hg19) VCF-style: chr11-64575574-G-T.
Other names: c.461-3C>A (NM_130804.3, NM_130803.3, NM_000244.4 and 3 more transcripts); c.446-3C>A (NM_130799.3, NM_001370260.2, NM_001370251.2 and 3 more transcripts).
Identifiers: ClinVar variation 428028 (VCV000428028.16), dbSNP rs377461506, ClinGen allele CA061191.

ClinVar aggregate classification (germline): Uncertain significance. Review status: criteria provided, multiple submitters, no conflicts (2 of 4 stars). 2 submissions from 2 submitters: Uncertain significance (2). Last evaluated 2024-10-24.

Conditions:
Hereditary cancer-predisposing syndrome. Also called: Hereditary neoplastic syndrome; Tumor predisposition; Neoplastic Syndromes, Hereditary; Hereditary Cancer Syndrome. Identifiers: Orphanet 140162, MedGen C0027672, MeSH D009386, MONDO:0015356.
Multiple endocrine neoplasia, type 1 (MEN1). Also called: MEN I; Endocrine adenomatosis multiple; MEN 1; WERMER SYNDROME; MEA I. Identifiers: Orphanet 652, MedGen C0025267, MeSH D018761, MONDO:0007540, OMIM 131100.

Allele frequency attached by ClinVar (database versions not stated): gnomAD exomes below 0.00001; TOPMed below 0.00001; ExAC 0.00001; gnomAD 0.00001; ESP Exome Variant Server 0.00008.
gnomAD v4.1: 2 of 1,606,518 alleles (0.00012%); highest among the groups gnomAD compares: African/African-American, 0.0027%; no homozygotes.

Submissions (2):

Ambry Genetics
Classification: Uncertain significance for Hereditary cancer-predisposing syndrome. Last evaluated: 2024-10-24. Review status: criteria provided, single submitter. Criteria: Ambry Variant Classification Scheme 2023. Collection method: clinical testing. Allele origin: germline.
Comment: The c.446-3C>A intronic variant results from a C to A substitution 3 nucleotides upstream from coding exon 2 in the MEN1 gene. This nucleotide position is highly conserved in available vertebrate species. In silico splice site analysis predicts that this alteration will not have any significant effect on splicing; however, direct evidence is insufficient at this time (Ambry internal data). Since supporting evidence is limited at this time, the clinical significance of this alteration remains unclear.

Labcorp Genetics (formerly Invitae), Labcorp
Classification: Uncertain significance for Multiple endocrine neoplasia, type 1. Last evaluated: 2024-06-06. Review status: criteria provided, single submitter. Criteria: Invitae Variant Classification Sherloc (09022015). Collection method: clinical testing. Allele origin: germline.
Comment: This sequence change falls in intron 2 of the MEN1 gene. It does not directly change the encoded amino acid sequence of the MEN1 protein. It affects a nucleotide within the consensus splice site. The frequency data for this variant in the population databases is considered unreliable, as metrics indicate poor data quality at this position in the gnomAD database. This variant has not been reported in the literature in individuals affected with MEN1-related conditions. ClinVar contains an entry for this variant (Variation ID: 428028). Variants that disrupt the consensus splice site are a relatively common cause of aberrant splicing (PMID: 17576681, 9536098). Algorithms developed to predict the effect of sequence changes on RNA splicing suggest that this variant is not likely to affect RNA splicing. This variant disrupts the c.446‑3 nucleotide in the MEN1 gene. Other variant(s) that disrupt this nucleotide have been determined to be pathogenic (PMID: 10931102, 28693130). This suggests that this nucleotide is clinically significant, and that variants that disrupt this position are likely to be disease-causing. In summary, the available evidence is currently insufficient to determine the role of this variant in disease. Therefore, it has been classified as a Variant of Uncertain Significance.

Literature cited by the submitters: PubMed 17576681 (cited by Labcorp Genetics (formerly Invitae), Labcorp); PubMed 9536098 (cited by Labcorp Genetics (formerly Invitae), Labcorp); PubMed 10931102 (cited by Labcorp Genetics (formerly Invitae), Labcorp); PubMed 28693130 (cited by Labcorp Genetics (formerly Invitae), Labcorp).